The following is an entry in ClinVar:

NM_000506.5(F2):c.533G>T (p.Arg178Met)

Gene: F2 (coagulation factor II, thrombin; plus strand). Cytogenetic location: 11p11.2.
Variant type: single nucleotide variant.
Coding change: c.533G>T on transcript NM_000506.5 (MANE Select); coding-DNA position 533, G replaced by T.
Protein change: p.Arg178Met; replaces arginine 178 with methionine.
Molecular consequence: missense variant.
Genome position (GRCh38, 1-based): chr11:46,723,492, G>T. VCF-style: chr11-46723492-G-T. GRCh37 (hg19) VCF-style: chr11-46745042-G-T.
Other names: short protein forms R178M.
Identifiers: ClinVar variation 1676511 (VCV001676511.6), dbSNP rs2134528259, ClinGen allele CA380263346.

ClinVar aggregate classification (germline): Uncertain significance. Review status: criteria provided, multiple submitters, no conflicts (2 of 4 stars). 2 submissions from 2 submitters: Uncertain significance (2). Last evaluated 2024-10-14.

Conditions:
Congenital prothrombin deficiency. Also called: HYPOPROTHROMBINEMIA; Hereditary factor II deficiency disease; Inherited hypoprothrombinemia; Congenital factor II deficiency; Inherited prothrombin deficiency; Factor II deficiency. Identifiers: Orphanet 325, MedGen C0272317, MONDO:0013361, OMIM 613679.

gnomAD v4.1: 2 of 1,613,916 alleles (0.00012%); highest among the groups gnomAD compares: Non-Finnish European, 0.00017%; no homozygotes.

Submissions (2):

Labcorp Genetics (formerly Invitae), Labcorp
Classification: Uncertain significance for Congenital prothrombin deficiency. Last evaluated: 2024-10-14. Review status: criteria provided, single submitter. Criteria: Invitae Variant Classification Sherloc (09022015). Collection method: clinical testing. Allele origin: germline.
Comment: This sequence change replaces arginine, which is basic and polar, with methionine, which is neutral and non-polar, at codon 178 of the F2 protein (p.Arg178Met). This variant is not present in population databases (gnomAD no frequency). This variant has not been reported in the literature in individuals affected with F2-related conditions. ClinVar contains an entry for this variant (Variation ID: 1676511). Invitae Evidence Modeling of protein sequence and biophysical properties (such as structural, functional, and spatial information, amino acid conservation, physicochemical variation, residue mobility, and thermodynamic stability) indicates that this missense variant is not expected to disrupt F2 protein function with a negative predictive value of 80%. In summary, the available evidence is currently insufficient to determine the role of this variant in disease. Therefore, it has been classified as a Variant of Uncertain Significance.

Greenwood Genetic Center Diagnostic Laboratories, Greenwood Genetic Center
Classification: Uncertain significance. Last evaluated: 2022-03-30. Review status: criteria provided, single submitter. Criteria: ACMG Guidelines, 2015. Collection method: clinical testing. Allele origin: germline. Affected: yes.
Comment: PM2